The following is an entry in ClinVar:

ClinVar aggregate classification (germline): Pathogenic (1 of 4 stars; one submission).

Conditions:
Harel-Yoon syndrome (HAYOS). Also called: Optic atrophy-peripheral neuropathy-developmental delay syndrome. Identifiers: Orphanet 496790, MedGen C4310677, MONDO:0014958, OMIM 617183.

Submission:

Women's Health and Genetics/Laboratory Corporation of America, LabCorp
Classification: Pathogenic for Harel-Yoon syndrome. Last evaluated: 2024-09-11. Review status: criteria provided, single submitter. Criteria: LabCorp Variant Classification Summary - May 2015. Collection method: clinical testing. Allele origin: germline.
Comment: Variant summary: ATAD3A c.1365_1366delAC (p.Gln455HisfsX10) results in a premature termination codon, predicted to cause a truncation of the encoded protein or absence of the protein due to nonsense mediated decay, which are commonly known mechanisms for disease. The variant was absent in 250554 control chromosomes. To our knowledge, no occurrence of c.1365_1366delAC in individuals affected with Harel-Yoon Syndrome Recessive and no experimental evidence demonstrating its impact on protein function have been reported. No submitters have cited clinical-significance assessments for this variant to ClinVar. Based on the evidence outlined above, the variant was classified as pathogenic.

NM_001170535.3(ATAD3A):c.1365_1366del (p.Gln455fs)

Gene: ATAD3A (ATPase family AAA domain containing 3A; plus strand). Cytogenetic location: 1p36.33.
Variant type: Deletion.
Coding change: c.1365_1366del on transcript NM_001170535.3 (MANE Select); coding-DNA positions 1365 to 1366, 2 bases deleted (AC; older notation c.1365_1366delAC).
Protein change: p.Gln455fs; shifts the reading frame from glutamine 455.
Molecular consequence: frameshift variant.
Genome position (GRCh38, 1-based): chr1:1,527,722-1,527,723, AC deleted. VCF-style (leftmost placement, unchanged base first): chr1-1527721-AAC-A. GRCh37 (hg19) VCF-style: chr1-1463101-AAC-A.
Other names: c.1128_1129del, p.Gln376fs (NM_001170536.3); c.1509_1510del, p.Gln503fs (NM_018188.5); c.1365_1366delAC (NM_001170535.3); short protein forms Q376fs, Q455fs, Q503fs.
Identifiers: ClinVar variation 3374905 (VCV003374905.1).